The following is an entry in ClinVar:

NM_004006.2(DMD):c.32-?_93+?dup62

Gene: DMD (dystrophin; minus strand). Cytogenetic location: Xp21.1.
Variant type: Duplication.
Coding change: c.32-?_93+?dup62 on transcript NM_004006.2.
Other names: c.32-?_93+?dup (LRG_199t1).
Identifiers: ClinVar variation 254069 (VCV000254069.1).

ClinVar aggregate classification (germline): Pathogenic (1 of 4 stars; one submission).

Conditions:
Duchenne muscular dystrophy (DMD). Also called: Duchenne Muscular Dystrophy (DMD); MUSCULAR DYSTROPHY, PSEUDOHYPERTROPHIC PROGRESSIVE, DUCHENNE TYPE. Identifiers: Orphanet 98896, MedGen C0013264, MONDO:0010679, OMIM 310200.

Submission:

Labcorp Genetics (formerly Invitae), Labcorp
Classification: Pathogenic for Duchenne muscular dystrophy. Last evaluated: 2016-12-03. Review status: criteria provided, single submitter. Criteria: Invitae Variant Classification Sherloc (09022015). Collection method: clinical testing. Allele origin: germline.
Comment: This variant is a gross duplication of the genomic region encompassing exon 2 of the DMD gene. The duplicated copy of this region is likely in tandem and results in an absent or disrupted protein product. Truncating variants in DMD are known to be pathogenic. Duplication of exon 2 has been reported as a commonly occurring single exon duplication in individuals with Duchenne muscular dystrophy (PMID: 16917894, 19937601, 25244321). For these reasons, this variant has been classified as Pathogenic.